The following is an entry in ClinVar:

ClinVar aggregate classification (germline): Uncertain significance (1 of 4 stars; one submission).

Conditions:
Autosomal recessive distal spinal muscular atrophy 1. Also called: HMN VI; NEURONOPATHY, SEVERE INFANTILE AXONAL, WITH RESPIRATORY FAILURE; Spinal muscular atrophy with respiratory distress 1; SEVERE INFANTILE AXONAL NEUROPATHY WITH RESPIRATORY FAILURE; SPINAL MUSCULAR ATROPHY, DIAPHRAGMATIC; NEURONOPATHY, DISTAL HEREDITARY MOTOR, HARDING TYPE VI. Identifiers: Orphanet 98920, MedGen C1858517, MONDO:0011436, OMIM 604320.
Charcot-Marie-Tooth disease axonal type 2S. Also called: CHARCOT-MARIE-TOOTH NEUROPATHY, TYPE 2S; CHARCOT-MARIE-TOOTH DISEASE, AXONAL, AUTOSOMAL RECESSIVE, TYPE 2S. Identifiers: Orphanet 443073, MedGen C4015349, MONDO:0014511, OMIM 616155.

Allele frequency attached by ClinVar (database versions not stated): gnomAD exomes 0.00001; ExAC 0.00001.
gnomAD v4.1: 21 of 1,614,094 alleles (0.0013%); highest among the groups gnomAD compares: South Asian, 0.0033%; no homozygotes.

Submission:

Labcorp Genetics (formerly Invitae), Labcorp
Classification: Uncertain significance for Autosomal recessive distal spinal muscular atrophy 1; Charcot-Marie-Tooth disease axonal type 2S. Last evaluated: 2022-04-09. Review status: criteria provided, single submitter. Criteria: Invitae Variant Classification Sherloc (09022015). Collection method: clinical testing. Allele origin: germline.
Comment: This sequence change replaces aspartic acid, which is acidic and polar, with asparagine, which is neutral and polar, at codon 288 of the IGHMBP2 protein (p.Asp288Asn). This variant is present in population databases (rs768803582, gnomAD 0.006%). This variant has not been reported in the literature in individuals affected with IGHMBP2-related conditions. ClinVar contains an entry for this variant (Variation ID: 651658). Advanced modeling of protein sequence and biophysical properties (such as structural, functional, and spatial information, amino acid conservation, physicochemical variation, residue mobility, and thermodynamic stability) performed at Invitae indicates that this missense variant is not expected to disrupt IGHMBP2 protein function. In summary, the available evidence is currently insufficient to determine the role of this variant in disease. Therefore, it has been classified as a Variant of Uncertain Significance.

NM_002180.3(IGHMBP2):c.862G>A (p.Asp288Asn)

Gene: IGHMBP2 (immunoglobulin mu DNA binding protein 2; plus strand). Cytogenetic location: 11q13.3.
Variant type: single nucleotide variant.
Coding change: c.862G>A on transcript NM_002180.3 (MANE Select); coding-DNA position 862, G replaced by A.
Protein change: p.Asp288Asn; replaces aspartic acid 288 with asparagine.
Molecular consequence: missense variant.
Genome position (GRCh38, 1-based): chr11:68,914,973, G>A. VCF-style: chr11-68914973-G-A. GRCh37 (hg19) VCF-style: chr11-68682441-G-A.
Other names: short protein forms D288N.
Identifiers: ClinVar variation 651658 (VCV000651658.6), dbSNP rs768803582, ClinGen allele CA6153415.
Genomic context (GRCh38, chr11:68,914,973, plus strand): 5'-CCTGCCCGCCTCCTGGAGTCCATTCAGCAGCACTCCCTGGATGCGGTTTTAGCGCGGAGC[G>A]ACAGTGCCCAGATTGTTGCAGATATCAGGAAGGACATCGACCAGGTCTTTGTAGGTGTCA-3'
Protein context (NP_002171.2, residues 278-298): HSLDAVLARS[Asp288Asn]SAQIVADIRK